The following is an entry in ClinVar:

NM_017763.6(RNF43):c.324G>A (p.Lys108=)

Gene: RNF43 (ring finger protein 43; minus strand). Cytogenetic location: 17q22.
Variant type: single nucleotide variant.
Coding change: c.324G>A on transcript NM_017763.6 (MANE Select); coding-DNA position 324, G replaced by A.
Protein change: p.Lys108=; no amino-acid change (lysine 108 retained).
Molecular consequence: synonymous variant. On other transcripts: 5 prime UTR variant (2).
Genome position (GRCh38, 1-based): chr17:58,370,962, C>T on the plus strand (G>A on the coding strand, the complement: RNF43 is on the minus strand). VCF-style: chr17-58370962-C-T. GRCh37 (hg19) VCF-style: chr17-56448323-C-T.
Other names: c.324G>A, p.Lys108= (NM_001305544.3, NM_001438820.1, NM_001438821.1 and 1 more transcripts); c.-58G>A (NM_001305545.2, NM_001437987.1).
Identifiers: ClinVar variation 4863429 (VCV004863429.2).
Genomic context (GRCh38, chr17:58,370,962, plus strand): 5'-TGAGTCTACCTTGCTAGCCAGTGACAGGCAGGGGCGGGGGGCCCGTCGAGGACTCTCCAG[C>T]TTGACGATGCTGATGAATCCAGGCTCCAGATTGTCGTCATCACTGGCATTGCACAGGTAC-3'
Protein context (NP_060233.3, residues 98-118): NLEPGFISIV[Lys108=]LESPRRAPRP

ClinVar aggregate classification (germline): Benign/Likely benign. Review status: criteria provided, multiple submitters, no conflicts (2 of 4 stars). 2 submissions from 2 submitters: Benign (1); Likely benign (1). Last evaluated 2026-06-29.

Conditions:
Sessile serrated polyposis cancer syndrome (SSPCS). Identifiers: Orphanet 157798, MedGen C4310714, MONDO:0014919, OMIM 617108.

Submissions (2):

Myriad Genetics, Inc.
Classification: Benign for Sessile serrated polyposis cancer syndrome. Last evaluated: 2026-06-29. Review status: criteria provided, single submitter. Criteria: Myriad Autosomal Dominant, Autosomal Recessive and X-Linked Classification Criteria (2023). Collection method: clinical testing. Allele origin: unknown.
Comment: This variant is considered benign. This variant is a silent/synonymous amino acid change and it is not expected to impact splicing.

Ambry Genetics
Classification: Likely benign. Last evaluated: 2026-06-03. Review status: criteria provided, single submitter. Criteria: Ambry Variant Classification Scheme 2023. Collection method: clinical testing. Allele origin: germline.